The following is an entry in ClinVar:

ClinVar aggregate classification (germline): Uncertain significance. Review status: criteria provided, multiple submitters, no conflicts (2 of 4 stars). 2 submissions from 2 submitters: Uncertain significance (2). Last evaluated 2025-08-04.

Allele frequency attached by ClinVar (database versions not stated): ExAC 0.00001; gnomAD exomes 0.00001; TOPMed 0.00002; gnomAD 0.00003.
gnomAD v4.1: 24 of 1,614,192 alleles (0.0015%); highest among the groups gnomAD compares: Admixed American, 0.0033%; no homozygotes.

Submissions (2):

Labcorp Genetics (formerly Invitae), Labcorp
Classification: Uncertain significance. Last evaluated: 2025-08-04. Review status: criteria provided, single submitter. Criteria: Invitae Variant Classification Sherloc (09022015). Collection method: clinical testing. Allele origin: germline.
Comment: This sequence change replaces valine, which is neutral and non-polar, with methionine, which is neutral and non-polar, at codon 411 of the SLC1A4 protein (p.Val411Met). This variant is present in population databases (rs752489013, gnomAD 0.006%). This variant has not been reported in the literature in individuals affected with SLC1A4-related conditions. ClinVar contains an entry for this variant (Variation ID: 1917600). An algorithm developed to predict the effect of missense changes on protein structure and function (PolyPhen-2) suggests that this variant is likely to be disruptive. In summary, the available evidence is currently insufficient to determine the role of this variant in disease. Therefore, it has been classified as a Variant of Uncertain Significance.

Blueprint Genetics
Classification: Uncertain significance. Last evaluated: 2024-10-09. Review status: criteria provided, single submitter. Criteria: ACMG Guidelines, 2015. Collection method: clinical testing. Allele origin: germline.

NM_003038.5(SLC1A4):c.1231G>A (p.Val411Met)

Gene: SLC1A4 (solute carrier family 1 member 4; plus strand). Cytogenetic location: 2p14.
Variant type: single nucleotide variant.
Coding change: c.1231G>A on transcript NM_003038.5 (MANE Select); coding-DNA position 1231, G replaced by A.
Protein change: p.Val411Met; replaces valine 411 with methionine.
Molecular consequence: missense variant.
Genome position (GRCh38, 1-based): chr2:65,018,546, G>A. VCF-style: chr2-65018546-G-A. GRCh37 (hg19) VCF-style: chr2-65245680-G-A.
Other names: c.337G>A, p.Val113Met (NM_001193493.2); c.571G>A, p.Val191Met (NM_001348406.2, NM_001348407.2); short protein forms V411M, V113M, V191M.
Identifiers: ClinVar variation 1917600 (VCV001917600.5), dbSNP rs752489013, ClinGen allele CA1686129.